The following is an entry in ClinVar:

ClinVar aggregate classification (germline): Uncertain significance (1 of 4 stars; one submission).

Submission:

GeneDx
Classification: Uncertain significance. Last evaluated: 2016-12-20. Review status: criteria provided, single submitter. Criteria: GeneDx Variant Classification (06012015). Collection method: clinical testing. Allele origin: germline. Affected: yes.
Comment: The K398R variant in the SOX9 gene has not been reported previously as a pathogenic variant, nor as a benign variant, to our knowledge. The K398R variant was not observed in approximately 6500 individuals of European and African American ancestry in the NHLBI Exome Sequencing Project, indicating it is not a common benign variant in these populations. The K398R variant is a conservative amino acid substitution, which is not likely to impact secondary protein structure as these residues share similar properties. This substitution occurs at a position that is conserved across species. However, in silico analysis is inconsistent in its predictions as to whether or not the variant is damaging to the protein structure/function. We interpret K398R as a variant of uncertain significance.

NM_000346.4(SOX9):c.1193A>G (p.Lys398Arg)

Gene: SOX9 (SRY-box transcription factor 9; plus strand). Cytogenetic location: 17q24.3.
Variant type: single nucleotide variant.
Coding change: c.1193A>G on transcript NM_000346.4 (MANE Select); coding-DNA position 1193, A replaced by G.
Protein change: p.Lys398Arg; replaces lysine 398 with arginine.
Molecular consequence: missense variant.
Genome position (GRCh38, 1-based): chr17:72,124,050, A>G. VCF-style: chr17-72124050-A-G. GRCh37 (hg19) VCF-style: chr17-70120191-A-G.
Other names: short protein forms K398R.
Identifiers: ClinVar variation 391344 (VCV000391344.2), dbSNP rs1057524043, ClinGen allele CA16607835.
Genomic context (GRCh38, chr17:72,124,050, plus strand): 5'-AGGCGCACACGCTGACCACGCTGAGCAGCGAGCCGGGCCAGTCCCAGCGAACGCACATCA[A>G]GACGGAGCAGCTGAGCCCCAGCCACTACAGCGAGCAGCAGCAGCACTCGCCCCAACAGAT-3'
Protein context (NP_000337.1, residues 388-408): EPGQSQRTHI[Lys398Arg]TEQLSPSHYS